The following is an entry in ClinVar:

NM_014244.5(ADAMTS2):c.3060G>A (p.Ala1020=)

Gene: ADAMTS2 (ADAM metallopeptidase with thrombospondin type 1 motif 2; minus strand). Cytogenetic location: 5q35.3.
Variant type: single nucleotide variant.
Coding change: c.3060G>A on transcript NM_014244.5 (MANE Select); coding-DNA position 3060, G replaced by A.
Protein change: p.Ala1020=; no amino-acid change (alanine 1020 retained).
Molecular consequence: synonymous variant.
Genome position (GRCh38, 1-based): chr5:179,122,672, C>T on the plus strand (G>A on the coding strand, the complement: ADAMTS2 is on the minus strand). VCF-style: chr5-179122672-C-T. GRCh37 (hg19) VCF-style: chr5-178549673-C-T.
Identifiers: ClinVar variation 707509 (VCV000707509.41), dbSNP rs61754844, ClinGen allele CA3595317.

ClinVar aggregate classification (germline): Likely benign. Review status: criteria provided, multiple submitters, no conflicts (2 of 4 stars). 6 submissions from 6 submitters: Likely benign (4). 2 of the submissions do not count toward it. Last evaluated 2026-01-14.

Conditions:
ADAMTS2-related disorder. Also called: ADAMTS2-related condition.
Ehlers-Danlos syndrome, dermatosparaxis type. Also called: Dermatosparaxis; EDS VIIC; Ehlers-Danlos syndrome, type VII, autosomal recessive. Identifiers: Orphanet 1901, MedGen C2700425, MONDO:0009161, OMIM 225410.

Allele frequency attached by ClinVar (database versions not stated): gnomAD exomes 0.00003 and 0.00001; ExAC 0.00005; gnomAD 0.00012 and 0.00013; 1000 Genomes Project 30x 0.00016; 1000 Genomes Project 0.00020; TOPMed 0.00033.
gnomAD v4.1: 37 of 1,551,484 alleles (0.0024%); highest among the groups gnomAD compares: Admixed American, 0.043%; no homozygotes.

Submissions (6):

Labcorp Genetics (formerly Invitae), Labcorp
Classification: Likely benign for Ehlers-Danlos syndrome, dermatosparaxis type. Last evaluated: 2026-01-14. Review status: criteria provided, single submitter. Criteria: Invitae Variant Classification Sherloc (09022015). Collection method: clinical testing. Allele origin: germline.

Women's Health and Genetics/Laboratory Corporation of America, LabCorp
Classification: Likely benign. Last evaluated: 2025-11-04. Review status: criteria provided, single submitter. Criteria: LabCorp Variant Classification Summary - May 2015. Collection method: clinical testing. Allele origin: germline.

CeGaT Center for Human Genetics Tuebingen
Classification: Likely benign. Last evaluated: 2023-01-01. Review status: criteria provided, single submitter. Criteria: CeGaT Center For Human Genetics Tuebingen Variant Classification Criteria Version 2. Collection method: clinical testing. Allele origin: germline. Affected: yes. Observed: 1 variant allele.
Comment: ADAMTS2: BP4, BP7

GeneDx
Classification: Likely benign. Last evaluated: 2020-11-24. Review status: criteria provided, single submitter. Criteria: GeneDx Variant Classification Process June 2021. Collection method: clinical testing. Allele origin: germline. Affected: yes.

Natera, Inc.
Classification: Likely benign for Ehlers-Danlos syndrome type VIIC. Last evaluated: 2020-02-01. Review status: no assertion criteria provided. Collection method: clinical testing. Allele origin: germline. Not counted in ClinVar's aggregate classification.

PreventionGenetics, part of Exact Sciences
Classification: Likely benign for ADAMTS2-related condition. Last evaluated: 2019-07-25. Review status: no assertion criteria provided. Collection method: clinical testing. Allele origin: germline. Not counted in ClinVar's aggregate classification.
Comment: This variant is classified as likely benign based on ACMG/AMP sequence variant interpretation guidelines (Richards et al. 2015 PMID: 25741868, with internal and published modifications).